The following is an entry in ClinVar:

ClinVar aggregate classification (germline): Uncertain significance (1 of 4 stars; one submission).

Submission:

Labcorp Genetics (formerly Invitae), Labcorp
Classification: Uncertain significance. Last evaluated: 2021-05-04. Review status: criteria provided, single submitter. Criteria: Invitae Variant Classification Sherloc (09022015). Collection method: clinical testing. Allele origin: germline.
Comment: In summary, the available evidence is currently insufficient to determine the role of this variant in disease. Therefore, it has been classified as a Variant of Uncertain Significance. Algorithms developed to predict the effect of missense changes on protein structure and function (SIFT, PolyPhen-2, Align-GVGD) all suggest that this variant is likely to be tolerated, but these predictions have not been confirmed by published functional studies and their clinical significance is uncertain. This variant has not been reported in the literature in individuals with PRPF4-related conditions. This variant is not present in population databases (ExAC no frequency). This sequence change replaces phenylalanine with isoleucine at codon 464 of the PRPF4 protein (p.Phe464Ile). The phenylalanine residue is moderately conserved and there is a small physicochemical difference between phenylalanine and isoleucine.

NM_001244926.2(PRPF4):c.1387T>A (p.Phe463Ile)

Gene: PRPF4 (pre-mRNA splicing tri-snRNP complex factor PRPF4; plus strand). Cytogenetic location: 9q32.
Variant type: single nucleotide variant.
Coding change: c.1387T>A on transcript NM_001244926.2 (MANE Select); coding-DNA position 1387, T replaced by A.
Protein change: p.Phe463Ile; replaces phenylalanine 463 with isoleucine.
Molecular consequence: missense variant. On other transcripts: non-coding transcript variant (2).
Genome position (GRCh38, 1-based): chr9:113,291,481, T>A. VCF-style: chr9-113291481-T-A. GRCh37 (hg19) VCF-style: chr9-116053761-T-A.
Other names: c.661T>A, p.Phe221Ile (NM_001322266.2, NM_001322267.2); c.1390T>A, p.Phe464Ile (NM_004697.5); short protein forms F221I, F463I, F464I.
Identifiers: ClinVar variation 1436926 (VCV001436926.8), dbSNP rs2118652101, ClinGen allele CA374556097.
Genomic context (GRCh38, chr9:113,291,481, plus strand): 5'-TGAATACTTGAATTCCTCAAGCAATTCCCCTTCTCTTCTCCTGTAGCTATCCATGGGAAC[T>A]TCTTGCTTACTGGTGCCTATGATAACACAGCCAAGATCTGGACGCACCCAGGCTGGTCCC-3'
Protein context (NP_001231855.1, residues 453-473): GVKFEPIHGN[Phe463Ile]LLTGAYDNTA